The following is an entry in ClinVar:

NM_022726.4(ELOVL4):c.475G>A (p.Val159Met)

Gene: ELOVL4 (ELOVL fatty acid elongase 4; minus strand). Cytogenetic location: 6q14.1.
Variant type: single nucleotide variant.
Coding change: c.475G>A on transcript NM_022726.4 (MANE Select); coding-DNA position 475, G replaced by A.
Protein change: p.Val159Met; replaces valine 159 with methionine.
Molecular consequence: missense variant.
Genome position (GRCh38, 1-based): chr6:79,921,691, C>T on the plus strand (G>A on the coding strand, the complement: ELOVL4 is on the minus strand). VCF-style: chr6-79921691-C-T. GRCh37 (hg19) VCF-style: chr6-80631408-C-T.
Other names: short protein forms V159M.
Identifiers: ClinVar variation 2128990 (VCV002128990.4), dbSNP rs1375492838, ClinGen allele CA364656580.

ClinVar aggregate classification (germline): Uncertain significance (1 of 4 stars; one submission).

Submission:

Labcorp Genetics (formerly Invitae), Labcorp
Classification: Uncertain significance. Last evaluated: 2022-04-21. Review status: criteria provided, single submitter. Criteria: Invitae Variant Classification Sherloc (09022015). Collection method: clinical testing. Allele origin: germline.
Comment: In summary, the available evidence is currently insufficient to determine the role of this variant in disease. Therefore, it has been classified as a Variant of Uncertain Significance. Algorithms developed to predict the effect of missense changes on protein structure and function are either unavailable or do not agree on the potential impact of this missense change (SIFT: "Deleterious"; PolyPhen-2: "Probably Damaging"; Align-GVGD: "Class C0"). This variant has not been reported in the literature in individuals affected with ELOVL4-related conditions. This variant is not present in population databases (gnomAD no frequency). This sequence change replaces valine, which is neutral and non-polar, with methionine, which is neutral and non-polar, at codon 159 of the ELOVL4 protein (p.Val159Met).